The following is an entry in ClinVar:

ClinVar aggregate classification (germline): not provided (0 of 4 stars; one submission).

Conditions:
Familial cold autoinflammatory syndrome 1 (FCAS1). Also called: CRYOPYRIN-ASSOCIATED PERIODIC SYNDROME 1; Familial cold inflammatory syndrome 1. Identifiers: Orphanet 47045, MedGen C4551895, MONDO:0007349, OMIM 120100.

Submission:

Unité médicale des maladies autoinflammatoires, CHRU Montpellier
No classification provided. Condition: Familial cold urticaria. Review status: no classification provided. Collection method: not provided. Allele origin: unknown.
Comment: also involved in OMIM 191900 and 607115

NM_001243133.2(NLRP3):c.1321T>C (p.Tyr441His)

Gene: NLRP3 (NLR family pyrin domain containing 3; plus strand). Cytogenetic location: 1q44.
Variant type: single nucleotide variant.
Coding change: c.1321T>C on transcript NM_001243133.2 (MANE Select); coding-DNA position 1321, T replaced by C.
Protein change: p.Tyr441His; replaces tyrosine 441 with histidine.
Molecular consequence: missense variant.
Genome position (GRCh38, 1-based): chr1:247,424,770, T>C. VCF-style: chr1-247424770-T-C. GRCh37 (hg19) VCF-style: chr1-247588072-T-C.
Other names: c.1321T>C, p.Tyr441His (NM_001079821.3, NM_001127461.3, NM_001127462.3 and 1 more transcripts); c.1327T>C, p.Tyr443His (NM_004895.5); short protein forms Y443H, Y441H.
Identifiers: ClinVar variation 97927 (VCV000097927.1), dbSNP rs180177499, ClinGen allele CA281189.
Genomic context (GRCh38, chr1:247,424,770, plus strand): 5'-AAACAGCAGATGGAGAGTGGCAAGAGCCTTGCCCAGACATCCAAGACCACCACCGCGGTG[T>C]ACGTCTTCTTCCTTTCCAGTTTGCTGCAGCCCCGGGGAGGGAGCCAGGAGCACGGCCTCT-3'
Protein context (NP_001230062.1, residues 431-451): AQTSKTTTAV[Tyr441His]VFFLSSLLQP